The following is an entry in ClinVar:

NM_000132.4(F8):c.1967G>A (p.Trp656Ter)

Gene: F8 (coagulation factor VIII; minus strand). Cytogenetic location: Xq28.
Variant type: single nucleotide variant.
Coding change: c.1967G>A on transcript NM_000132.4 (MANE Select); coding-DNA position 1967, G replaced by A.
Protein change: p.Trp656Ter; replaces tryptophan 656 with a stop codon.
Molecular consequence: nonsense.
Genome position (GRCh38, 1-based): chrX:154,947,844, C>T on the plus strand (G>A on the coding strand, the complement: F8 is on the minus strand). VCF-style: chrX-154947844-C-T. GRCh37 (hg19) VCF-style: chrX-154176119-C-T.
Other names: short protein forms W656*.
Identifiers: ClinVar variation 4996838 (VCV004996838.1).

ClinVar aggregate classification (germline): Pathogenic (1 of 4 stars; one submission).

Conditions:
F8-related disorder. Also called: F8-related condition.

Submission:

PreventionGenetics, part of Exact Sciences
Classification: Pathogenic for F8-related condition. Last evaluated: 2025-07-29. Review status: criteria provided, single submitter. Criteria: ACMG Guidelines, 2015. Collection method: clinical testing. Allele origin: germline.
Comment: The F8 c.1967G>A variant is predicted to result in premature protein termination (p.Trp656*). This variant is alternatively referred to as p.Trp637* using legacy nomenclature. This variant has been reported in individuals with hemophilia A (Jayandharan et al. 2009. PubMed ID: 19686262; Li et al. 2023. PubMed ID: 38196513). This variant has not been reported in a large population database (gnomAD), indicating this variant is rare. Nonsense variants in F8 are expected to be pathogenic. This variant is interpreted as pathogenic.